The following is an entry in ClinVar:

NM_032043.3(BRIP1):c.961G>C (p.Asp321His)

Gene: BRIP1 (BRCA1 interacting DNA helicase 1; minus strand). Cytogenetic location: 17q23.2.
Variant type: single nucleotide variant.
Coding change: c.961G>C on transcript NM_032043.3 (MANE Select); coding-DNA position 961, G replaced by C.
Protein change: p.Asp321His; replaces aspartic acid 321 with histidine.
Molecular consequence: missense variant.
Genome position (GRCh38, 1-based): chr17:61,801,432, C>G on the plus strand (G>C on the coding strand, the complement: BRIP1 is on the minus strand). VCF-style: chr17-61801432-C-G. GRCh37 (hg19) VCF-style: chr17-59878793-C-G.
Other names: short protein forms D321H.
Identifiers: ClinVar variation 929525 (VCV000929525.2), dbSNP rs2077992703, ClinGen allele CA400484232.

ClinVar aggregate classification (germline): Uncertain significance. Review status: criteria provided, single submitter (1 of 4 stars). 2 submissions from 2 submitters: Uncertain significance (1). 1 of the submissions does not count toward it. Last evaluated 2024-08-21.

Conditions:
Hereditary cancer-predisposing syndrome. Also called: Neoplastic Syndromes, Hereditary; Hereditary Cancer Syndrome; Tumor predisposition; Hereditary neoplastic syndrome. Identifiers: Orphanet 140162, MedGen C0027672, MeSH D009386, MONDO:0015356.

Submissions (2):

Ambry Genetics
Classification: Uncertain significance for Hereditary cancer-predisposing syndrome. Last evaluated: 2024-08-21. Review status: criteria provided, single submitter. Criteria: Ambry Variant Classification Scheme 2023. Collection method: clinical testing. Allele origin: germline.
Comment: The p.D321H variant (also known as c.961G>C), located in coding exon 7 of the BRIP1 gene, results from a G to C substitution at nucleotide position 961. The aspartic acid at codon 321 is replaced by histidine, an amino acid with similar properties. This amino acid position is poorly conserved in available vertebrate species. In addition, this alteration is predicted to be tolerated by in silico analysis. Based on the available evidence, the clinical significance of this variant remains unclear.

Leiden Open Variation Database
Classification: Uncertain significance. Last evaluated: 2019-08-13. Review status: no assertion criteria provided. Collection method: curation. Allele origin: germline. Affected: yes. Not counted in ClinVar's aggregate classification.
Comment: Curator: Arleen D. Auerbach. Submitter to LOVD: Yukihide Momozawa.

Literature cited by the submitters: PubMed 31214711 (cited by Leiden Open Variation Database).